The following is an entry in ClinVar:

NM_001012339.3(DNAJC21):c.1594_*1del (p.Ter532AspextTer?)

Gene: DNAJC21 (DnaJ heat shock protein family (Hsp40) member C21; plus strand). Cytogenetic location: 5p13.2.
Variant type: Deletion.
Coding change: c.1594_*1del on transcript NM_001012339.3 (MANE Select); coding-DNA position 1594 through 1 bases downstream of the stop codon, 4 bases deleted (TAGA; older notation c.1594_*1delTAGA).
Protein change: p.Ter532AspextTer?.
Molecular consequence: frameshift variant, stop lost.
Genome position (GRCh38, 1-based): chr5:34,954,712-34,954,715, TAGA deleted; deleting any 4 consecutive bases within chr5:34,954,709-34,954,715 gives the same sequence; the c. name uses the placement nearest the transcript's 3' end. VCF-style (leftmost placement, unchanged base first): chr5-34954708-CAGAT-C. GRCh37 (hg19) VCF-style: chr5-34954813-CAGAT-C.
Other names: c.1633_*1del, p.Ter545AspextTer? (NM_001348420.2); c.1729_*1del, p.Ter577AspextTer? (NM_194283.4).
Identifiers: ClinVar variation 1435772 (VCV001435772.3), dbSNP rs777268963, ClinGen allele CA3228899.

ClinVar aggregate classification (germline): Uncertain significance (1 of 4 stars; one submission).

Submission:

Labcorp Genetics (formerly Invitae), Labcorp
Classification: Uncertain significance. Last evaluated: 2021-07-14. Review status: criteria provided, single submitter. Criteria: Invitae Variant Classification Sherloc (09022015). Collection method: clinical testing. Allele origin: germline.
Comment: This sequence change disrupts the translational stop signal of the DNAJC21 mRNA. It is expected to extend the length of the DNAJC21 protein by 7 additional amino acid residues. This variant is present in population databases (rs777268963, ExAC 0.05%). This variant has not been reported in the literature in individuals affected with DNAJC21-related conditions. Experimental studies and prediction algorithms are not available or were not evaluated, and the functional significance of this variant is currently unknown. In summary, the available evidence is currently insufficient to determine the role of this variant in disease. Therefore, it has been classified as a Variant of Uncertain Significance.